The following is an entry in ClinVar:

ClinVar aggregate classification (germline): Likely benign. Review status: criteria provided, multiple submitters, no conflicts (2 of 4 stars). 3 submissions from 3 submitters: Likely benign (3). Last evaluated 2026-08-01.

Allele frequency attached by ClinVar (database versions not stated): gnomAD exomes 0.00009 and 0.00015; ExAC 0.00013; 1000 Genomes Project 30x 0.00016; gnomAD 0.00019 and 0.00023; 1000 Genomes Project 0.00020; TOPMed 0.00027.
gnomAD v4.1: 164 of 1,613,898 alleles (0.01%); highest among the groups gnomAD compares: Admixed American, 0.05%; no homozygotes.

Submissions (3):

CeGaT Center for Human Genetics Tuebingen
Classification: Likely benign. Last evaluated: 2026-08-01. Review status: criteria provided, single submitter. Criteria: CeGaT Center For Human Genetics Tuebingen Variant Classification Criteria Version 2. Collection method: clinical testing. Allele origin: germline. Affected: yes. Observed: 2 variant alleles.
Comment: DCHS1: BP4, BP7

Labcorp Genetics (formerly Invitae), Labcorp
Classification: Likely benign. Last evaluated: 2026-01-01. Review status: criteria provided, single submitter. Criteria: Invitae Variant Classification Sherloc (09022015). Collection method: clinical testing. Allele origin: germline.

Blueprint Genetics
Classification: Likely benign. Last evaluated: 2023-12-22. Review status: criteria provided, single submitter. Criteria: ACMG Guidelines, 2015. Collection method: clinical testing. Allele origin: germline.

NM_003737.4(DCHS1):c.7872A>G (p.Val2624=)

Gene: DCHS1 (dachsous cadherin-related 1; minus strand). Cytogenetic location: 11p15.4.
Variant type: single nucleotide variant.
Coding change: c.7872A>G on transcript NM_003737.4 (MANE Select); coding-DNA position 7872, A replaced by G.
Protein change: p.Val2624=; no amino-acid change (valine 2624 retained).
Molecular consequence: synonymous variant.
Genome position (GRCh38, 1-based): chr11:6,623,804, T>C on the plus strand (A>G on the coding strand, the complement: DCHS1 is on the minus strand). VCF-style: chr11-6623804-T-C. GRCh37 (hg19) VCF-style: chr11-6645035-T-C.
Identifiers: ClinVar variation 1529159 (VCV001529159.32), dbSNP rs571764095, ClinGen allele CA5859524.